The following is an entry in ClinVar:

ClinVar aggregate classification (germline): Uncertain significance (1 of 4 stars; one submission).

gnomAD v4.1: 3 of 1,609,718 alleles (0.00019%); highest among the groups gnomAD compares: Non-Finnish European, 0.00025%; no homozygotes.

Submission:

CeGaT Center for Human Genetics Tuebingen
Classification: Uncertain significance. Last evaluated: 2024-04-01. Review status: criteria provided, single submitter. Criteria: CeGaT Center For Human Genetics Tuebingen Variant Classification Criteria Version 2. Collection method: clinical testing. Allele origin: germline. Affected: yes. Observed: 1 variant allele.
Comment: CACNA1I: PM2, PS2:Supporting

NM_021096.4(CACNA1I):c.292A>G (p.Met98Val)

Gene: CACNA1I (calcium voltage-gated channel subunit alpha1 I; plus strand). Cytogenetic location: 22q13.1.
Variant type: single nucleotide variant.
Coding change: c.292A>G on transcript NM_021096.4 (MANE Select); coding-DNA position 292, A replaced by G.
Protein change: p.Met98Val; replaces methionine 98 with valine.
Molecular consequence: missense variant.
Genome position (GRCh38, 1-based): chr22:39,598,206, A>G. VCF-style: chr22-39598206-A-G. GRCh37 (hg19) VCF-style: chr22-39994211-A-G.
Other names: c.292A>G, p.Met98Val (NM_001003406.2); short protein forms M98V.
Identifiers: ClinVar variation 3239324 (VCV003239324.19), dbSNP rs2518080308.